The following is an entry in ClinVar:

ClinVar aggregate classification (germline): Uncertain significance. Review status: criteria provided, multiple submitters, no conflicts (2 of 4 stars). 11 submissions from 11 submitters: Uncertain significance (10). 1 of the submissions does not count toward it. Last evaluated 2026-02-17.

Conditions:
SLC52A3-related disorder. Also called: SLC52A3-related condition.
Inborn genetic diseases. Identifiers: MedGen C0950123, MeSH D030342.
Brown-Vialetto-van Laere syndrome 1. Also called: BROWN-VIALETTO-VAN LAERE SYNDROME 1, MILD; BULBAR PALSY, PROGRESSIVE, WITH SENSORINEURAL DEAFNESS; PONTOBULBAR PALSY WITH DEAFNESS. Identifiers: Orphanet 572550, Orphanet 97229, MedGen C0796274, MONDO:0024537, OMIM 211530.
Progressive bulbar palsy of childhood. Also called: Childhood Progressive Bulbar Palsy; FAZIO-LONDE DISEASE. Identifiers: MedGen C0393540, MONDO:0100428, OMIM 211500.

Allele frequency attached by ClinVar (database versions not stated): gnomAD exomes 0.00037 and 0.00070; TOPMed 0.00043; gnomAD 0.00045 and 0.00046; ExAC 0.00047; ESP Exome Variant Server 0.00055.
gnomAD v4.1: 1,080 of 1,610,086 alleles (0.067%); highest among the groups gnomAD compares: Non-Finnish European, 0.087%; 3 homozygotes.

Submissions (11):

PreventionGenetics, part of Exact Sciences
Classification: Uncertain significance for SLC52A3-related condition. Last evaluated: 2026-02-17. Review status: criteria provided, single submitter. Criteria: ACMG Guidelines, 2015. Collection method: clinical testing. Allele origin: germline.
Comment: The SLC52A3 c.1371C>G variant is predicted to result in the amino acid substitution p.Phe457Leu. This variant has been reported in the homozygous and heterozygous state in two patients with Brown-Vialetto-Van Laere syndrome (Green et al. 2010. PubMed ID: 20206331; Manole et al. 2017. PubMed ID: 29053833), and in the heterozygous state along with a second missense variant in a patient with hereditary motor neuropathy (Bansagi et al. 2017. PubMed ID: 28251916). However, conclusive evidence of pathogenicity was not presented in these studies. This variant is reported in 0.079% of alleles in individuals of European (Non-Finnish) descent in gnomAD. Although we suspect that this variant may be pathogenic, at this time, the clinical significance of this variant is uncertain due to the absence of conclusive functional and genetic evidence.

Women's Health and Genetics/Laboratory Corporation of America, LabCorp
Classification: Uncertain significance. Last evaluated: 2025-09-04. Review status: criteria provided, single submitter. Criteria: LabCorp Variant Classification Summary - May 2015. Collection method: clinical testing. Allele origin: germline.
Comment: Variant summary: SLC52A3 c.1371C>G (p.Phe457Leu) results in a non-conservative amino acid change in the encoded protein sequence. Algorithms developed to predict the effect of missense changes on protein structure and function all suggest that this variant is likely to be disruptive. The variant allele was found at a frequency of 0.00037 in 237784 control chromosomes. This frequency is not significantly higher than estimated for disease-causing variants in SLC52A3, allowing no conclusion about variant significance. c.1371C>G has been observed in individuals affected with Brown-Vialetto Laere Syndrome without strong evidence of causality (Bansagi_2017, Green_2010, Johnson_2012, Manole_2017). These reports do not provide unequivocal conclusions about association of the variant with Brown-Vialetto Laere Syndrome 1. To our knowledge, no experimental evidence demonstrating an impact on protein function has been reported. The following publications have been ascertained in the context of this evaluation (PMID: 28251916, 20206331, 22740598, 29053833). ClinVar contains an entry for this variant (Variation ID: 210029). Based on the evidence outlined above, the variant was classified as uncertain significance.

Blueprint Genetics
Classification: Uncertain significance. Last evaluated: 2024-11-07. Review status: criteria provided, single submitter. Criteria: ACMG Guidelines, 2015. Collection method: clinical testing. Allele origin: germline.

Mayo Clinic Laboratories, Mayo Clinic
Classification: Uncertain significance. Last evaluated: 2024-08-06. Review status: criteria provided, single submitter. Criteria: ACMG Guidelines, 2015. Collection method: clinical testing. Allele origin: germline. Observed: 1 variant allele.
Comment: PP3, PM3

GeneDx
Classification: Uncertain significance. Last evaluated: 2023-12-14. Review status: criteria provided, single submitter. Criteria: GeneDx Variant Classification Process June 2021. Collection method: clinical testing. Allele origin: germline. Affected: yes.
Comment: In silico analysis supports that this missense variant has a deleterious effect on protein structure/function; This variant is associated with the following publications: (PMID: 27777325, 20206331, 28251916, 22740598, 23107375, 31959559, 29053833, 26072523)

Ambry Genetics
Classification: Uncertain significance for Inborn genetic diseases. Last evaluated: 2023-09-20. Review status: criteria provided, single submitter. Criteria: Ambry Variant Classification Scheme 2023. Collection method: clinical testing. Allele origin: germline.

CeGaT Center for Human Genetics Tuebingen
Classification: Uncertain significance. Last evaluated: 2023-05-01. Review status: criteria provided, single submitter. Criteria: CeGaT Center For Human Genetics Tuebingen Variant Classification Criteria Version 2. Collection method: clinical testing. Allele origin: germline. Affected: yes. Observed: 1 variant allele.
Comment: SLC52A3: PM2, PM3:Supporting, PP3

Labcorp Genetics (formerly Invitae), Labcorp
Classification: Uncertain significance for Brown-Vialetto-van Laere syndrome 1. Last evaluated: 2022-10-26. Review status: criteria provided, single submitter. Criteria: Invitae Variant Classification Sherloc (09022015). Collection method: clinical testing. Allele origin: germline.
Comment: This sequence change replaces phenylalanine, which is neutral and non-polar, with leucine, which is neutral and non-polar, at codon 457 of the SLC52A3 protein (p.Phe457Leu). This variant is present in population databases (rs145431028, gnomAD 0.08%). This missense change has been observed in individuals with Brown-Vialetto-Van Laere syndrome (BVVLS) (PMID: 20206331, 22740598, 28251916, 29053833). ClinVar contains an entry for this variant (Variation ID: 210029). Advanced modeling of protein sequence and biophysical properties (such as structural, functional, and spatial information, amino acid conservation, physicochemical variation, residue mobility, and thermodynamic stability) performed at Invitae indicates that this missense variant is not expected to disrupt SLC52A3 protein function. In summary, the available evidence is currently insufficient to determine the role of this variant in disease. Therefore, it has been classified as a Variant of Uncertain Significance.

Fulgent Genetics
Classification: Uncertain significance for Progressive bulbar palsy of childhood; Brown-Vialetto-van Laere syndrome 1. Last evaluated: 2021-07-09. Review status: criteria provided, single submitter. Criteria: ACMG Guidelines, 2015. Collection method: clinical testing. Allele origin: unknown.

Genetics and Molecular Pathology, SA Pathology
Classification: Uncertain significance for Brown-Vialetto-van Laere syndrome 1. Last evaluated: 2021-06-29. Review status: criteria provided, single submitter. Criteria: ACMG Guidelines, 2015. Collection method: clinical testing. Allele origin: germline. Inheritance: Autosomal recessive inheritance. Affected: yes.

GeneReviews
No classification provided. Condition: Brown-Vialetto-van Laere syndrome 1. Review status: no classification provided. Collection method: literature only. Allele origin: germline. Affected: yes. Not counted in ClinVar's aggregate classification.

Literature cited by the submitters: PubMed 29053833 (cited by 4 submitters); PubMed 28251916 (cited by 4 submitters); PubMed 20206331 (cited by 5 submitters); PubMed 22740598 (cited by 4 submitters); NCBI Bookshelf NBK299312 (cited by GeneReviews).

NM_033409.4(SLC52A3):c.1371C>G (p.Phe457Leu)

Gene: SLC52A3 (solute carrier family 52 member 3; minus strand). Cytogenetic location: 20p13.
Variant type: single nucleotide variant.
Coding change: c.1371C>G on transcript NM_033409.4 (MANE Select); coding-DNA position 1371, C replaced by G.
Protein change: p.Phe457Leu; replaces phenylalanine 457 with leucine.
Molecular consequence: missense variant.
Genome position (GRCh38, 1-based): chr20:761,065, G>C on the plus strand (C>G on the coding strand, the complement: SLC52A3 is on the minus strand). VCF-style: chr20-761065-G-C. GRCh37 (hg19) VCF-style: chr20-741709-G-C.
Other names: c.1371C>G, p.Phe457Leu (NM_001370085.1, NM_001370086.1); short protein forms F457L.
Identifiers: ClinVar variation 210029 (VCV000210029.53), dbSNP rs145431028, ClinGen allele CA346996.